The following is an entry in ClinVar:

NC_000001.10:g.(?_235605109)_(235613675_?)del

Genes: B3GALNT2 (beta-1,3-N-acetylgalactosaminyltransferase 2; minus strand), TBCE (tubulin folding cofactor E; plus strand). Cytogenetic location: 1q42.3.
Variant type: Deletion.
Identifiers: ClinVar variation 3247815 (VCV003247815.1).

ClinVar aggregate classification (germline): Pathogenic (1 of 4 stars; one submission).

Conditions:
Muscular dystrophy-dystroglycanopathy (congenital with brain and eye anomalies), type a, 11 (MDDGA11). Also called: WALKER-WARBURG SYNDROME OR MUSCLE-EYE-BRAIN DISEASE, B3GALNT2-RELATED; Congenital muscular dystrophy-dystroglycanopathy with brain and eye anomalies, type A11; Muscular dystrophy-dystroglycanopathy (congenital with brain and eye anomalies, type A, 11. Identifiers: Orphanet 588, Orphanet 899, MedGen C3554638, MONDO:0014071, OMIM 615181.

Submission:

Labcorp Genetics (formerly Invitae), Labcorp
Classification: Pathogenic for Muscular dystrophy-dystroglycanopathy (congenital with brain and eye anomalies), type a, 11. Last evaluated: 2023-11-24. Review status: criteria provided, single submitter. Criteria: Invitae Variant Classification Sherloc (09022015). Collection method: clinical testing. Allele origin: unknown.
Comment: This variant is a gross deletion of the genomic region encompassing exon(s) 12 of the B3GALNT2 gene, which includes the termination codon. This deletion extends beyond the assayed region for this gene and therefore may encompass additional genes. While this deletion is not anticipated to lead to nonsense mediated decay, it is expected to alter mRNA translation or result in a truncated protein product. This variant has not been reported in the literature in individuals affected with B3GALNT2-related conditions. This variant disrupts a region of the B3GALNT2 protein in which other variant(s) (p.Pro474del) have been determined to be pathogenic (PMID: 26663670, 33290285). This suggests that this is a clinically significant region of the protein, and that variants that disrupt it are likely to be disease-causing. For these reasons, this variant has been classified as Pathogenic.

Literature cited by the submitters: PubMed 26663670; PubMed 33290285.